The following is an entry in ClinVar:

NM_005245.4(FAT1):c.10524A>C (p.Lys3508Asn)

Gene: FAT1 (FAT atypical cadherin 1; minus strand). Cytogenetic location: 4q35.2.
Variant type: single nucleotide variant.
Coding change: c.10524A>C on transcript NM_005245.4 (MANE Select); coding-DNA position 10524, A replaced by C.
Protein change: p.Lys3508Asn; replaces lysine 3508 with asparagine.
Molecular consequence: missense variant.
Genome position (GRCh38, 1-based): chr4:186,604,401, T>G on the plus strand (A>C on the coding strand, the complement: FAT1 is on the minus strand). VCF-style: chr4-186604401-T-G. GRCh37 (hg19) VCF-style: chr4-187525555-T-G.
Other names: short protein forms K3508N.
Identifiers: ClinVar variation 2084888 (VCV002084888.3), dbSNP rs375998786, ClinGen allele CA3165339.
Genomic context (GRCh38, chr4:186,604,401, plus strand): 5'-AATCCACAACCAAACCACAAAGAAAGCCATTCATACCTTCACCTGCAGTAAGTAATGATC[T>G]TTCTCCTTCCTCTTGATGGCAGATGATGTCAGGAGGACTCCTTGCGGGTTAACTTCAAAA-3'
Protein context (NP_005236.2, residues 3498-3518): LTSSAIKRKE[Lys3508Asn]DHYLLQVKVA

ClinVar aggregate classification (germline): Uncertain significance (1 of 4 stars; one submission).

Allele frequency attached by ClinVar (database versions not stated): ExAC 0.00004; ESP Exome Variant Server 0.00008; gnomAD 0.00011.
gnomAD v4.1: 26 of 1,613,540 alleles (0.0016%); highest among the groups gnomAD compares: African/African-American, 0.035%; no homozygotes.

Submission:

Labcorp Genetics (formerly Invitae), Labcorp
Classification: Uncertain significance. Last evaluated: 2025-06-12. Review status: criteria provided, single submitter. Criteria: Invitae Variant Classification Sherloc (09022015). Collection method: clinical testing. Allele origin: germline.
Comment: This sequence change replaces lysine, which is basic and polar, with asparagine, which is neutral and polar, at codon 3508 of the FAT1 protein (p.Lys3508Asn). This variant is present in population databases (rs375998786, gnomAD 0.05%). This variant has not been reported in the literature in individuals affected with FAT1-related conditions. ClinVar contains an entry for this variant (Variation ID: 2084888). An algorithm developed to predict the effect of missense changes on protein structure and function outputs the following: PolyPhen-2: "Benign". The asparagine amino acid residue is found in multiple mammalian species, which suggests that this missense change does not adversely affect protein function. In summary, the available evidence is currently insufficient to determine the role of this variant in disease. Therefore, it has been classified as a Variant of Uncertain Significance.